The following is an entry in ClinVar:

NM_005676.5(RBM10):c.1719G>C (p.Gln573His)

Gene: RBM10 (RNA binding motif protein 10; plus strand). Cytogenetic location: Xp11.3.
Variant type: single nucleotide variant.
Coding change: c.1719G>C on transcript NM_005676.5 (MANE Select); coding-DNA position 1719, G replaced by C.
Protein change: p.Gln573His; replaces glutamine 573 with histidine.
Molecular consequence: missense variant.
Genome position (GRCh38, 1-based): chrX:47,181,976, G>C. VCF-style: chrX-47181976-G-C. GRCh37 (hg19) VCF-style: chrX-47041375-G-C.
Other names: c.1488G>C, p.Gln496His (NM_001204466.2); c.1716G>C, p.Gln572His (NM_001204467.2); c.1914G>C, p.Gln638His (NM_001204468.2); c.1485G>C, p.Gln495His (NM_152856.3); c.1719G>C (NM_005676.4); short protein forms Q572H, Q638H, Q573H, Q495H, Q496H.
Identifiers: ClinVar variation 2053533 (VCV002053533.5), dbSNP rs1388916261, ClinGen allele CA412803590.

ClinVar aggregate classification (germline): Uncertain significance. Review status: criteria provided, multiple submitters, no conflicts (2 of 4 stars). 2 submissions from 2 submitters: Uncertain significance (2). Last evaluated 2024-01-08.

Conditions:
Inborn genetic diseases. Identifiers: MedGen C0950123, MeSH D030342.

Allele frequency attached by ClinVar (database versions not stated): gnomAD 0.00001; gnomAD exomes 0.00001; TOPMed 0.00004.
gnomAD v4.1: 4 of 1,209,032 alleles (0.00033%); highest among the groups gnomAD compares: Admixed American, 0.0088%; no homozygotes.

Submissions (2):

Ambry Genetics
Classification: Uncertain significance for Inborn genetic diseases. Last evaluated: 2024-01-08. Review status: criteria provided, single submitter. Criteria: Ambry Variant Classification Scheme 2023. Collection method: clinical testing. Allele origin: germline.

Labcorp Genetics (formerly Invitae), Labcorp
Classification: Uncertain significance. Last evaluated: 2023-12-19. Review status: criteria provided, single submitter. Criteria: Invitae Variant Classification Sherloc (09022015). Collection method: clinical testing. Allele origin: germline.
Comment: This sequence change replaces glutamine, which is neutral and polar, with histidine, which is basic and polar, at codon 573 of the RBM10 protein (p.Gln573His). This variant is present in population databases (no rsID available, gnomAD 0.004%), including at least one homozygous and/or hemizygous individual. This variant has not been reported in the literature in individuals affected with RBM10-related conditions. ClinVar contains an entry for this variant (Variation ID: 2053533). Advanced modeling of protein sequence and biophysical properties (such as structural, functional, and spatial information, amino acid conservation, physicochemical variation, residue mobility, and thermodynamic stability) performed at Invitae indicates that this missense variant is not expected to disrupt RBM10 protein function with a negative predictive value of 80%. In summary, the available evidence is currently insufficient to determine the role of this variant in disease. Therefore, it has been classified as a Variant of Uncertain Significance.